The following is an entry in ClinVar:

ClinVar aggregate classification (germline): Uncertain significance (1 of 4 stars; one submission).

Conditions:
Early-infantile DEE. Also called: Early infantile epileptic encephalopathy; Ohtahara syndrome; Early infantile epileptic encephalopathy with suppression bursts. Identifiers: Orphanet 1934, MedGen C0393706, MONDO:0800491.

Submission:

Labcorp Genetics (formerly Invitae), Labcorp
Classification: Uncertain significance for Early-infantile DEE. Last evaluated: 2023-12-11. Review status: criteria provided, single submitter. Criteria: Invitae Variant Classification Sherloc (09022015). Collection method: clinical testing. Allele origin: germline.
Comment: This sequence change replaces isoleucine, which is neutral and non-polar, with phenylalanine, which is neutral and non-polar, at codon 396 of the KCNH5 protein (p.Ile396Phe). This variant is not present in population databases (gnomAD no frequency). This variant has not been reported in the literature in individuals affected with KCNH5-related conditions. ClinVar contains an entry for this variant (Variation ID: 938564). An algorithm developed to predict the effect of missense changes on protein structure and function (PolyPhen-2) suggests that this variant is likely to be disruptive. In summary, the available evidence is currently insufficient to determine the role of this variant in disease. Therefore, it has been classified as a Variant of Uncertain Significance.

NM_139318.5(KCNH5):c.1186A>T (p.Ile396Phe)

Gene: KCNH5 (potassium voltage-gated channel subfamily H member 5; minus strand). Cytogenetic location: 14q23.2.
Variant type: single nucleotide variant.
Coding change: c.1186A>T on transcript NM_139318.5 (MANE Select); coding-DNA position 1186, A replaced by T.
Protein change: p.Ile396Phe; replaces isoleucine 396 with phenylalanine.
Molecular consequence: missense variant.
Genome position (GRCh38, 1-based): chr14:62,950,316, T>A on the plus strand (A>T on the coding strand, the complement: KCNH5 is on the minus strand). VCF-style: chr14-62950316-T-A. GRCh37 (hg19) VCF-style: chr14-63417034-T-A.
Other names: c.1186A>T, p.Ile396Phe (NM_172375.3); short protein forms I396F.
Identifiers: ClinVar variation 938564 (VCV000938564.10), dbSNP rs1889976030, ClinGen allele CA390103071.